The following is an entry in ClinVar:

ClinVar aggregate classification (germline): Uncertain significance (1 of 4 stars; one submission).

Conditions:
Autosomal recessive limb-girdle muscular dystrophy type 2U. Also called: Muscular dystrophy-dystroglycanopathy (limb-girdle), type c, 7; MUSCULAR DYSTROPHY, LIMB-GIRDLE, TYPE 2U. Identifiers: Orphanet 352479, MedGen C5190987, MONDO:0014474, OMIM 616052.
Muscular dystrophy-dystroglycanopathy (congenital with brain and eye anomalies), type A, 7. Also called: Congenital muscular dystrophy-dystroglycanopathy with brain and eye anomalies, type A7; WALKER-WARBURG SYNDROME OR MUSCLE-EYE-BRAIN DISEASE, ISPD-RELATED. Identifiers: Orphanet 899, MedGen C3553330, MONDO:0013835, OMIM 614643.

Submission:

Labcorp Genetics (formerly Invitae), Labcorp
Classification: Uncertain significance for Muscular dystrophy-dystroglycanopathy (congenital with brain and eye anomalies), type A, 7; Autosomal recessive limb-girdle muscular dystrophy type 2U. Last evaluated: 2019-10-23. Review status: criteria provided, single submitter. Criteria: Invitae Variant Classification Sherloc (09022015). Collection method: clinical testing. Allele origin: germline.
Comment: This sequence change replaces methionine with arginine at codon 392 of the ISPD protein (p.Met392Arg). The methionine residue is weakly conserved and there is a moderate physicochemical difference between methionine and arginine. In summary, the available evidence is currently insufficient to determine the role of this variant in disease. Therefore, it has been classified as a Variant of Uncertain Significance. Algorithms developed to predict the effect of missense changes on protein structure and function output the following: SIFT: "Tolerated"; PolyPhen-2: "Benign"; Align-GVGD: "Class C0". The arginine amino acid residue is found in multiple mammalian species, suggesting that this missense change does not adversely affect protein function. These predictions have not been confirmed by published functional studies and their clinical significance is uncertain. This variant has not been reported in the literature in individuals with ISPD-related conditions. This variant is not present in population databases (ExAC no frequency).

NM_001101426.4(CRPPA):c.1175T>G (p.Met392Arg)

Genes: CRPPA (CDP-L-ribitol pyrophosphorylase A; minus strand), CRPPA-AS1 (CRPPA antisense RNA 1; plus strand). Cytogenetic location: 7p21.2.
Variant type: single nucleotide variant.
Coding change: c.1175T>G on transcript NM_001101426.4 (MANE Select); coding-DNA position 1175, T replaced by G.
Protein change: p.Met392Arg; replaces methionine 392 with arginine.
Molecular consequence: missense variant. On other transcripts: non-coding transcript variant (1).
Genome position (GRCh38, 1-based): chr7:16,216,142, A>C on the plus strand (T>G on the coding strand, the complement: CRPPA is on the minus strand). VCF-style: chr7-16216142-A-C. GRCh37 (hg19) VCF-style: chr7-16255767-A-C.
Other names: c.1025T>G, p.Met342Arg (NM_001101417.4); c.1070T>G, p.Met357Arg (NM_001368197.1); short protein forms M392R, M342R, M357R.
Identifiers: ClinVar variation 943785 (VCV000943785.10), dbSNP rs1782301148, ClinGen allele CA367001068.